The following is an entry in ClinVar:

ClinVar aggregate classification (germline): Benign/Likely benign. Review status: criteria provided, multiple submitters, no conflicts (2 of 4 stars). 6 submissions from 6 submitters: Benign (3); Likely benign (2). 1 of the submissions does not count toward it. Last evaluated 2026-02-01.

Conditions:
Nephronophthisis 14 (NPHP14). Identifiers: Orphanet 2318, MedGen C3539071, MONDO:0013916, OMIM 614844.

Allele frequency attached by ClinVar (database versions not stated): gnomAD exomes 0.00088 and 0.00219; ExAC 0.00243; ESP Exome Variant Server 0.00870; gnomAD 0.00909 and 0.00969; 1000 Genomes Project 0.00998; TOPMed 0.01046; 1000 Genomes Project 30x 0.01093.
gnomAD v4.1: 2,762 of 1,613,888 alleles (0.17%); highest among the groups gnomAD compares: African/African-American, 3.2%; 49 homozygotes.

Submissions (6):

Labcorp Genetics (formerly Invitae), Labcorp
Classification: Benign for Nephronophthisis 14. Last evaluated: 2026-02-01. Review status: criteria provided, single submitter. Criteria: Invitae Variant Classification Sherloc (09022015). Collection method: clinical testing. Allele origin: germline.

Mayo Clinic Laboratories, Mayo Clinic
Classification: Benign. Last evaluated: 2023-01-18. Review status: criteria provided, single submitter. Criteria: ACMG Guidelines, 2015. Collection method: clinical testing. Allele origin: germline. Observed: 2 variant alleles.
Comment: BS1, BS2, BP4, BP7

Genome-Nilou Lab
Classification: Benign for Nephronophthisis 14. Last evaluated: 2021-12-05. Review status: criteria provided, single submitter. Criteria: ACMG Guidelines, 2015. Collection method: clinical testing. Allele origin: germline. Affected: no.

Clinical Genetics DNA and cytogenetics Diagnostics Lab, Erasmus MC, Erasmus Medical Center
Classification: Likely benign for Nephronophthisis 14. Last evaluated: 2017-06-28. Review status: criteria provided, single submitter. Criteria: ACGS Guidelines, 2013. Collection method: clinical testing. Allele origin: germline. Affected: yes. Study: VKGL Data-share Consensus.

Breakthrough Genomics
Classification: Likely benign. Review status: criteria provided, single submitter. Criteria: ACMG Guidelines, 2015. Collection method: not provided. Allele origin: germline. Inheritance: Autosomal dominant inheritance. Affected: yes.

Clinical Genetics, Academic Medical Center
Classification: Benign. Review status: no assertion criteria provided. Collection method: clinical testing. Allele origin: germline. Affected: yes. Study: VKGL Data-share Consensus. Not counted in ClinVar's aggregate classification.

NM_001379286.1(ZNF423):c.711C>T (p.Arg237=)

Gene: ZNF423 (zinc finger protein 423; minus strand). Cytogenetic location: 16q12.1.
Variant type: single nucleotide variant.
Coding change: c.711C>T on transcript NM_001379286.1 (MANE Select); coding-DNA position 711, C replaced by T.
Protein change: p.Arg237=; no amino-acid change (arginine 237 retained).
Molecular consequence: synonymous variant.
Genome position (GRCh38, 1-based): chr16:49,638,465, G>A on the plus strand (C>T on the coding strand, the complement: ZNF423 is on the minus strand). VCF-style: chr16-49638465-G-A. GRCh37 (hg19) VCF-style: chr16-49672376-G-A.
Other names: p.Arg229=; c.687C>T (NM_015069.4); c.507C>T, p.Arg169= (NM_001271620.2); c.336C>T, p.Arg112= (NM_001330533.2); c.687C>T, p.Arg229= (NM_015069.5).
Identifiers: ClinVar variation 473063 (VCV000473063.18), dbSNP rs16947744, ClinGen allele CA8046834.
Genomic context (GRCh38, chr16:49,638,465, plus strand): 5'-CTCCTTGTTCTTTTTGTGGGCCTGCATGTGGCTCTGCAGCGAGCTGGTGGAGGAGAAGCC[G>A]CGCTTGCACACAGTGCACTTGAAGGGCTTGCTGGAGCTGTGGGTCTTCAGGTGGATCTTG-3'
Protein context (NP_001366215.1, residues 227-247): SKPFKCTVCK[Arg237=]GFSSTSSLQS